The following is an entry in ClinVar:

NM_000814.6(GABRB3):c.168C>T (p.Phe56=)

Gene: GABRB3 (gamma-aminobutyric acid type A receptor subunit beta3; minus strand). Cytogenetic location: 15q12.
Variant type: single nucleotide variant.
Coding change: c.168C>T on transcript NM_000814.6 (MANE Select); coding-DNA position 168, C replaced by T.
Protein change: p.Phe56=; no amino-acid change (phenylalanine 56 retained).
Molecular consequence: synonymous variant. On other transcripts: 5 prime UTR variant (1).
Genome position (GRCh38, 1-based): chr15:26,772,685, G>A on the plus strand (C>T on the coding strand, the complement: GABRB3 is on the minus strand). VCF-style: chr15-26772685-G-A. GRCh37 (hg19) VCF-style: chr15-27017832-G-A.
Other names: c.-184C>T (NM_001278631.2); c.168C>T, p.Phe56= (NM_021912.5).
Identifiers: ClinVar variation 3049363 (VCV003049363.2), dbSNP rs2504095027, ClinGen allele CA489073731.

ClinVar aggregate classification (germline): Likely benign (0 of 4 stars; one submission).

Conditions:
GABRB3-related disorder. Also called: GABRB3-related condition.

Allele frequency attached by ClinVar (database versions not stated): gnomAD exomes below 0.00001.
gnomAD v4.1: 2 of 1,569,294 alleles (0.00013%); highest among the groups gnomAD compares: Non-Finnish European, 0.00017%; no homozygotes.

Submission:

PreventionGenetics, part of Exact Sciences
Classification: Likely benign for GABRB3-related condition. Last evaluated: 2023-02-15. Review status: no assertion criteria provided. Collection method: clinical testing. Allele origin: germline.
Comment: This variant is classified as likely benign based on ACMG/AMP sequence variant interpretation guidelines (Richards et al. 2015 PMID: 25741868, with internal and published modifications).